The following is an entry in ClinVar:

ClinVar aggregate classification (germline): Uncertain significance (1 of 4 stars; one submission).

Submission:

GeneDx
Classification: Uncertain significance. Last evaluated: 2025-05-09. Review status: criteria provided, single submitter. Criteria: GeneDx Variant Classification Process June 2021. Collection method: clinical testing. Allele origin: germline. Affected: yes.
Comment: Frameshift variant predicted to result in protein truncation or nonsense mediated decay in a gene or region of a gene for which loss of function is not a well-established mechanism of disease; Not observed at significant frequency in large population cohorts (gnomAD); Has not been previously published as pathogenic or benign to our knowledge

NM_001386298.1(CIC):c.2795-2057del

Gene: CIC (capicua transcriptional repressor; plus strand). Cytogenetic location: 19q13.2.
Variant type: Deletion.
Coding change: c.2795-2057del on transcript NM_001386298.1 (MANE Select); 2057 bases into the intron before coding-DNA position 2795, one base deleted (G; older notation c.2795-2057delG).
Molecular consequence: intron variant. On other transcripts: frameshift variant (6).
Genome position (GRCh38, 1-based): chr19:42,284,714, G deleted; the last of 2 consecutive G bases (chr19:42,284,713-42,284,714); deleting either gives the same sequence. VCF-style (leftmost placement, unchanged base first): chr19-42284712-CG-C. GRCh37 (hg19) VCF-style: chr19-42788864-CG-C.
Other names: c.10del, p.Ala4fs (NM_001379484.1, NM_001379485.1, NM_001439189.1 and 3 more transcripts); c.2795-2057del (NM_001304815.2, NM_001439186.1, NM_001439183.1 and 6 more transcripts); short protein forms A4fs.
Identifiers: ClinVar variation 4526950 (VCV004526950.1).